The following is an entry in ClinVar:

NM_152703.5(SAMD9L):c.2660A>G (p.Tyr887Cys)

Gene: SAMD9L (sterile alpha motif domain containing 9 like; minus strand). Cytogenetic location: 7q21.2.
Variant type: single nucleotide variant.
Coding change: c.2660A>G on transcript NM_152703.5 (MANE Select); coding-DNA position 2660, A replaced by G.
Protein change: p.Tyr887Cys; replaces tyrosine 887 with cysteine.
Molecular consequence: missense variant.
Genome position (GRCh38, 1-based): chr7:93,133,312, T>C on the plus strand (A>G on the coding strand, the complement: SAMD9L is on the minus strand). VCF-style: chr7-93133312-T-C. GRCh37 (hg19) VCF-style: chr7-92762625-T-C.
Other names: c.2660A>G, p.Tyr887Cys (NM_001303496.3, NM_001303497.3, NM_001303498.3 and 5 more transcripts); c.2660A>G (NM_152703.2); short protein forms Y887C.
Identifiers: ClinVar variation 1970297 (VCV001970297.6), dbSNP rs750736998, ClinGen allele CA4343558.

ClinVar aggregate classification (germline): Uncertain significance. Review status: criteria provided, multiple submitters, no conflicts (2 of 4 stars). 2 submissions from 2 submitters: Uncertain significance (2). Last evaluated 2025-10-29.

Conditions:
Inborn genetic diseases. Identifiers: MedGen C0950123, MeSH D030342.

Allele frequency attached by ClinVar (database versions not stated): ExAC 0.00001; gnomAD 0.00001; TOPMed 0.00002.
gnomAD v4.1: 10 of 1,612,542 alleles (0.00062%); highest among the groups gnomAD compares: African/African-American, 0.0027%; no homozygotes.

Submissions (2):

Labcorp Genetics (formerly Invitae), Labcorp
Classification: Uncertain significance. Last evaluated: 2025-10-29. Review status: criteria provided, single submitter. Criteria: Invitae Variant Classification Sherloc (09022015). Collection method: clinical testing. Allele origin: germline.
Comment: This sequence change replaces tyrosine, which is neutral and polar, with cysteine, which is neutral and slightly polar, at codon 887 of the SAMD9L protein (p.Tyr887Cys). This variant is present in population databases (rs750736998, gnomAD 0.0009%). This variant has not been reported in the literature in individuals affected with SAMD9L-related conditions. ClinVar contains an entry for this variant (Variation ID: 1970297). Invitae Evidence Modeling of protein sequence and biophysical properties (such as structural, functional, and spatial information, amino acid conservation, physicochemical variation, residue mobility, and thermodynamic stability) indicates that this missense variant is expected to disrupt SAMD9L protein function with a positive predictive value of 80%. In summary, the available evidence is currently insufficient to determine the role of this variant in disease. Therefore, it has been classified as a Variant of Uncertain Significance.

Ambry Genetics
Classification: Uncertain significance for Inborn genetic diseases. Last evaluated: 2025-02-03. Review status: criteria provided, single submitter. Criteria: Ambry Variant Classification Scheme 2023. Collection method: clinical testing. Allele origin: germline.
Comment: The p.Y887C variant (also known as c.2660A>G), located in coding exon 1 of the SAMD9L gene, results from an A to G substitution at nucleotide position 2660. The tyrosine at codon 887 is replaced by cysteine, an amino acid with highly dissimilar properties. This amino acid position is conserved. In addition, the in silico prediction for this alteration is inconclusive. Based on the available evidence, the clinical significance of this variant remains unclear.